The following is an entry in ClinVar:

NM_001903.5(CTNNA1):c.1818G>C (p.Met606Ile)

Gene: CTNNA1 (catenin alpha 1; plus strand). Cytogenetic location: 5q31.2.
Variant type: single nucleotide variant.
Coding change: c.1818G>C on transcript NM_001903.5 (MANE Select); coding-DNA position 1818, G replaced by C.
Protein change: p.Met606Ile; replaces methionine 606 with isoleucine.
Molecular consequence: missense variant.
Genome position (GRCh38, 1-based): chr5:138,925,326, G>C. VCF-style: chr5-138925326-G-C. GRCh37 (hg19) VCF-style: chr5-138261015-G-C.
Other names: c.1818G>C, p.Met606Ile (NM_001290307.3, NM_001323982.2, NM_001323983.1 and 2 more transcripts); c.1509G>C, p.Met503Ile (NM_001290309.3); c.1449G>C, p.Met483Ile (NM_001290310.3); c.708G>C, p.Met236Ile (NM_001290312.1, NM_001323987.1, NM_001323988.1 and 17 more transcripts); c.1725G>C, p.Met575Ile (NM_001323986.2); c.369G>C, p.Met123Ile (NM_001324010.1, NM_001324006.1, NM_001324007.1 and 2 more transcripts); c.615G>C, p.Met205Ile (NM_001324011.1); c.465G>C, p.Met155Ile (NM_001324012.1, NM_001324013.1); short protein forms M503I, M606I, M205I, M236I, M123I, M155I, M483I, M575I.
Identifiers: ClinVar variation 1443644 (VCV001443644.6), dbSNP rs2150295088, ClinGen allele CA361132266.
Genomic context (GRCh38, chr5:138,925,326, plus strand): 5'-TTTTACTGAGCAAGTAGAAGCAGCCGTGGAAGCCCTCAGCTCGGACCCTGCCCAGCCCAT[G>C]GATGAGAATGAGTTTATCGATGCTTCCCGCCTGGTATATGATGGCATCCGGGACATCAGG-3'
Protein context (NP_001894.2, residues 596-616): EALSSDPAQP[Met606Ile]DENEFIDASR

ClinVar aggregate classification (germline): Uncertain significance (1 of 4 stars; one submission).

Submission:

Labcorp Genetics (formerly Invitae), Labcorp
Classification: Uncertain significance. Last evaluated: 2023-09-08. Review status: criteria provided, single submitter. Criteria: Invitae Variant Classification Sherloc (09022015). Collection method: clinical testing. Allele origin: germline.
Comment: In summary, the available evidence is currently insufficient to determine the role of this variant in disease. Therefore, it has been classified as a Variant of Uncertain Significance. Advanced modeling of protein sequence and biophysical properties (such as structural, functional, and spatial information, amino acid conservation, physicochemical variation, residue mobility, and thermodynamic stability) performed at Invitae indicates that this missense variant is not expected to disrupt CTNNA1 protein function. ClinVar contains an entry for this variant (Variation ID: 1443644). This variant has not been reported in the literature in individuals affected with CTNNA1-related conditions. This variant is not present in population databases (gnomAD no frequency). This sequence change replaces methionine, which is neutral and non-polar, with isoleucine, which is neutral and non-polar, at codon 606 of the CTNNA1 protein (p.Met606Ile).